The following is an entry in ClinVar:

ClinVar aggregate classification (germline): Conflicting classifications of pathogenicity. Review status: criteria provided, conflicting classifications (1 of 4 stars). 6 submissions from 6 submitters: Uncertain significance (2); Likely benign (4). Last evaluated 2026-01-06.

Conditions:
Collagen 6-related myopathy. Identifiers: MedGen CN117976, MONDO:0100225.
Bethlem myopathy 1A. Also called: Bethlem myopathy 1; Bethlem Muscular Dystrophy; MYOPATHY, BENIGN CONGENITAL, WITH CONTRACTURES. Identifiers: Orphanet 610, MedGen CN029274, MONDO:0024530, OMIM 158810.

Allele frequency attached by ClinVar (database versions not stated): ExAC 0.00007; gnomAD exomes 0.00007; gnomAD 0.00011 and 0.00012; TOPMed 0.00012; 1000 Genomes Project 0.00060; 1000 Genomes Project 30x 0.00078.
gnomAD v4.1: 194 of 1,614,212 alleles (0.012%); highest among the groups gnomAD compares: African/African-American, 0.027%; no homozygotes.

Submissions (6):

Labcorp Genetics (formerly Invitae), Labcorp
Classification: Likely benign for Bethlem myopathy 1A. Last evaluated: 2026-01-06. Review status: criteria provided, single submitter. Criteria: Invitae Variant Classification Sherloc (09022015). Collection method: clinical testing. Allele origin: germline.

Blueprint Genetics
Classification: Likely benign. Last evaluated: 2024-07-10. Review status: criteria provided, single submitter. Criteria: ACMG Guidelines, 2015. Collection method: clinical testing. Allele origin: germline.

CeGaT Center for Human Genetics Tuebingen
Classification: Likely benign. Last evaluated: 2024-01-01. Review status: criteria provided, single submitter. Criteria: CeGaT Center For Human Genetics Tuebingen Variant Classification Criteria Version 2. Collection method: clinical testing. Allele origin: germline. Affected: yes. Observed: 1 variant allele.
Comment: COL6A3: BP4, BP7

Illumina Laboratory Services, Illumina
Classification: Uncertain significance for Collagen VI-related myopathy. Last evaluated: 2018-01-13. Review status: criteria provided, single submitter. Criteria: ICSL Variant Classification Criteria 13 December 2019. Collection method: clinical testing. Allele origin: germline.

Eurofins Ntd Llc (ga)
Classification: Uncertain significance. Last evaluated: 2017-05-09. Review status: criteria provided, single submitter. Criteria: EGL Classification Definitions 2015. Collection method: clinical testing. Allele origin: germline. Observed: 4 variant alleles, 4 heterozygotes.

GeneDx
Classification: Likely benign. Last evaluated: 2016-02-29. Review status: criteria provided, single submitter. Criteria: GeneDx Variant Classification (06012015). Collection method: clinical testing. Allele origin: germline. Affected: yes.
Comment: This variant is considered likely benign or benign based on one or more of the following criteria: it is a conservative change, it occurs at a poorly conserved position in the protein, it is predicted to be benign by multiple in silico algorithms, and/or has population frequency not consistent with disease.

NM_004369.4(COL6A3):c.6798C>T (p.Thr2266=)

Gene: COL6A3 (collagen type VI alpha 3 chain; minus strand). Cytogenetic location: 2q37.3.
Variant type: single nucleotide variant.
Coding change: c.6798C>T on transcript NM_004369.4 (MANE Select); coding-DNA position 6798, C replaced by T.
Protein change: p.Thr2266=; no amino-acid change (threonine 2266 retained).
Molecular consequence: synonymous variant.
Genome position (GRCh38, 1-based): chr2:237,351,148, G>A on the plus strand (C>T on the coding strand, the complement: COL6A3 is on the minus strand). VCF-style: chr2-237351148-G-A. GRCh37 (hg19) VCF-style: chr2-238259791-G-A.
Other names: c.4977C>T, p.Thr1659= (NM_057166.5); c.6180C>T, p.Thr2060= (NM_057167.4).
Identifiers: ClinVar variation 285639 (VCV000285639.42), dbSNP rs116541926, ClinGen allele CA2188082.